The following is an entry in ClinVar:

NM_004329.3(BMPR1A):c.382A>G (p.Asn128Asp)

Gene: BMPR1A (bone morphogenetic protein receptor type 1A; plus strand). Cytogenetic location: 10q23.2.
Variant type: single nucleotide variant.
Coding change: c.382A>G on transcript NM_004329.3 (MANE Select); coding-DNA position 382, A replaced by G.
Protein change: p.Asn128Asp; replaces asparagine 128 with aspartic acid.
Molecular consequence: missense variant.
Genome position (GRCh38, 1-based): chr10:86,899,842, A>G. VCF-style: chr10-86899842-A-G. GRCh37 (hg19) VCF-style: chr10-88659599-A-G.
Other names: c.382A>G (NM_004329.2); short protein forms N128D.
Identifiers: ClinVar variation 1503107 (VCV001503107.8), dbSNP rs2133454173, ClinGen allele CA377449509.
Genomic context (GRCh38, chr10:86,899,842, plus strand): 5'-CTCTTCTTTTAGGATTCTCCAAAAGCCCAGCTACGCCGGACAATAGAATGTTGTCGGACC[A>G]ATTTATGTAACCAGTATTTGCAACCCACACTGCCCCCTGTTGTCATAGGTAGGTTAGCCG-3'
Protein context (NP_004320.2, residues 118-138): LRRTIECCRT[Asn128Asp]LCNQYLQPTL

ClinVar aggregate classification (germline): Conflicting classifications of pathogenicity. Review status: criteria provided, conflicting classifications (1 of 4 stars). 2 submissions from 2 submitters: Uncertain significance (1); Likely benign (1). Last evaluated 2026-06-29.

Conditions:
Juvenile polyposis syndrome (JPS). Identifiers: Orphanet 2929, MedGen C0345893, MONDO:0017380, OMIM 174900.
Hereditary cancer-predisposing syndrome. Also called: Hereditary Cancer Syndrome; Tumor predisposition; Neoplastic Syndromes, Hereditary; Hereditary neoplastic syndrome. Identifiers: Orphanet 140162, MedGen C0027672, MeSH D009386, MONDO:0015356.

Submissions (2):

Ambry Genetics
Classification: Likely benign for Hereditary cancer-predisposing syndrome. Last evaluated: 2026-06-29. Review status: criteria provided, single submitter. Criteria: Ambry Variant Classification Scheme 2023. Collection method: clinical testing. Allele origin: germline.

Labcorp Genetics (formerly Invitae), Labcorp
Classification: Uncertain significance for Juvenile polyposis syndrome. Last evaluated: 2021-09-08. Review status: criteria provided, single submitter. Criteria: Invitae Variant Classification Sherloc (09022015). Collection method: clinical testing. Allele origin: germline.
Comment: Advanced modeling of protein sequence and biophysical properties (such as structural, functional, and spatial information, amino acid conservation, physicochemical variation, residue mobility, and thermodynamic stability) performed at Invitae indicates that this missense variant is not expected to disrupt BMPR1A protein function. This sequence change replaces asparagine with aspartic acid at codon 128 of the BMPR1A protein (p.Asn128Asp). The asparagine residue is moderately conserved and there is a small physicochemical difference between asparagine and aspartic acid. This variant is not present in population databases (ExAC no frequency). This variant has not been reported in the literature in individuals affected with BMPR1A-related conditions. In summary, the available evidence is currently insufficient to determine the role of this variant in disease. Therefore, it has been classified as a Variant of Uncertain Significance.